The following is an entry in ClinVar:

NM_138773.4(SLC25A46):c.803C>A (p.Thr268Lys)

Gene: SLC25A46 (solute carrier family 25 member 46; plus strand). Cytogenetic location: 5q22.1.
Variant type: single nucleotide variant.
Coding change: c.803C>A on transcript NM_138773.4 (MANE Select); coding-DNA position 803, C replaced by A.
Protein change: p.Thr268Lys; replaces threonine 268 with lysine.
Molecular consequence: missense variant. On other transcripts: non-coding transcript variant (1), intron variant (1).
Genome position (GRCh38, 1-based): chr5:110,761,328, C>A. VCF-style: chr5-110761328-C-A. GRCh37 (hg19) VCF-style: chr5-110097028-C-A.
Other names: c.530C>A, p.Thr177Lys (NM_001303250.3); c.679-119C>A (NM_001303249.3); short protein forms T268K, T177K.
Identifiers: ClinVar variation 1761758 (VCV001761758.2), dbSNP rs751900293, ClinGen allele CA360696232.
Genomic context (GRCh38, chr5:110,761,328, plus strand): 5'-TAGGCATGGGAGTGCCTCATAGCAAACGACTTCTTCCGCTTCTTTCCTTGATCTTCCCTA[C>A]GGTGCTTCATGGAGTTCTTCATTACATCATCAGCTCAGTTATTCAGAAGTTTGTCCTACT-3'
Protein context (NP_620128.1, residues 258-278): LLPLLSLIFP[Thr268Lys]VLHGVLHYII

ClinVar aggregate classification (germline): Uncertain significance (1 of 4 stars; one submission).

Conditions:
Inborn genetic diseases. Identifiers: MedGen C0950123, MeSH D030342.

Submission:

Ambry Genetics
Classification: Uncertain significance for Inborn genetic diseases. Last evaluated: 2019-12-19. Review status: criteria provided, single submitter. Criteria: Ambry Variant Classification Scheme 2023. Collection method: clinical testing. Allele origin: germline.
Comment: The p.T268K variant (also known as c.803C>A), located in coding exon 8 of the SLC25A46 gene, results from a C to A substitution at nucleotide position 803. The threonine at codon 268 is replaced by lysine, an amino acid with similar properties. This amino acid position is well conserved in available vertebrate species. In addition, this alteration is predicted to be deleterious by in silico analysis. Since supporting evidence is limited at this time, the clinical significance of this alteration remains unclear.